The following is an entry in ClinVar:

NM_001375567.1(FOCAD):c.2818A>T (p.Met940Leu)

Gene: FOCAD (focadhesin; plus strand). Cytogenetic location: 9p21.3.
Variant type: single nucleotide variant.
Coding change: c.2818A>T on transcript NM_001375567.1 (MANE Select); coding-DNA position 2818, A replaced by T.
Protein change: p.Met940Leu; replaces methionine 940 with leucine.
Molecular consequence: missense variant.
Genome position (GRCh38, 1-based): chr9:20,916,903, A>T. VCF-style: chr9-20916903-A-T. GRCh37 (hg19) VCF-style: chr9-20916902-A-T.
Other names: c.2713A>T, p.Met905Leu (NM_001375568.1, NM_001375570.1); c.2818A>T, p.Met940Leu (NM_017794.5); short protein forms M940L, M905L.
Identifiers: ClinVar variation 2212188 (VCV002212188.4), dbSNP rs142545136, ClinGen allele CA5007288.
Genomic context (GRCh38, chr9:20,916,903, plus strand): 5'-GATTTCTTGTTCTAACATAAACTCTCGTCTATTTTCCATCTTTATTGCAGGGTTAGAGAC[A>T]TGCTGACTGATGAGATCACCAAGGCAGCTGCAAAGTAAGATCCATTTAGTCTTTTATCAA-3'
Protein context (NP_001362496.1, residues 930-950): KSTAWLWVRD[Met940Leu]LTDEITKAAA

ClinVar aggregate classification (germline): Uncertain significance. Review status: criteria provided, multiple submitters, no conflicts (2 of 4 stars). 2 submissions from 2 submitters: Uncertain significance (2). Last evaluated 2026-01-13.

Conditions:
Inborn genetic diseases. Identifiers: MedGen C0950123, MeSH D030342.

Allele frequency attached by ClinVar (database versions not stated): 1000 Genomes Project 0.00040; 1000 Genomes Project 30x 0.00031; TOPMed 0.00077; ESP Exome Variant Server 0.00100; gnomAD 0.00079; ExAC 0.00077.
gnomAD v4.1: 2,013 of 1,606,390 alleles (0.13%); highest among the groups gnomAD compares: Non-Finnish European, 0.15%; 1 homozygote.

Submissions (2):

Labcorp Genetics (formerly Invitae), Labcorp
Classification: Uncertain significance. Last evaluated: 2026-01-13. Review status: criteria provided, single submitter. Criteria: Invitae Variant Classification Sherloc (09022015). Collection method: clinical testing. Allele origin: germline.
Comment: This sequence change replaces methionine, which is neutral and non-polar, with leucine, which is neutral and non-polar, at codon 940 of the FOCAD protein (p.Met940Leu). This variant is present in population databases (rs142545136, gnomAD 0.1%), and has an allele count higher than expected for a pathogenic variant. This variant has not been reported in the literature in individuals affected with FOCAD-related conditions. ClinVar contains an entry for this variant (Variation ID: 2212188). Experimental studies and prediction algorithms are not available or were not evaluated, and the functional significance of this variant is currently unknown. In summary, the available evidence is currently insufficient to determine the role of this variant in disease. Therefore, it has been classified as a Variant of Uncertain Significance.

Ambry Genetics
Classification: Uncertain significance for Inborn genetic diseases. Last evaluated: 2021-08-17. Review status: criteria provided, single submitter. Criteria: Ambry Variant Classification Scheme 2023. Collection method: clinical testing. Allele origin: germline.